The following is an entry in ClinVar:

ClinVar aggregate classification (germline): Uncertain significance (1 of 4 stars; one submission).

Conditions:
Inborn genetic diseases. Identifiers: MedGen C0950123, MeSH D030342.

Submission:

Ambry Genetics
Classification: Uncertain significance for Inborn genetic diseases. Last evaluated: 2026-01-09. Review status: criteria provided, single submitter. Criteria: Ambry Variant Classification Scheme 2023. Collection method: clinical testing. Allele origin: germline.
Comment: The c.109G>A (p.A37T) alteration is located in exon 2 (coding exon 2) of the MCPH1 gene. This alteration results from a G to A substitution at nucleotide position 109, causing the alanine (A) at amino acid position 37 to be replaced by a threonine (T). This variant was not reported in population-based cohorts in the Genome Aggregation Database (gnomAD). This amino acid position is highly conserved in available vertebrate species. This alteration is predicted to be deleterious by in silico analysis. Based on insufficient or conflicting evidence, the clinical significance of this alteration remains unclear.

NM_024596.5(MCPH1):c.109G>A (p.Ala37Thr)

Gene: MCPH1 (microcephalin 1; plus strand). Cytogenetic location: 8p23.1.
Variant type: single nucleotide variant.
Coding change: c.109G>A on transcript NM_024596.5 (MANE Select); coding-DNA position 109, G replaced by A.
Protein change: p.Ala37Thr; replaces alanine 37 with threonine.
Molecular consequence: missense variant. On other transcripts: non-coding transcript variant (1).
Genome position (GRCh38, 1-based): chr8:6,409,365, G>A. VCF-style: chr8-6409365-G-A. GRCh37 (hg19) VCF-style: chr8-6266886-G-A.
Other names: c.109G>A, p.Ala37Thr (NM_001172574.2, NM_001172575.2, NM_001322042.2 and 4 more transcripts); c.103G>A, p.Ala35Thr (NM_001322043.2); c.7G>A, p.Ala3Thr (NM_001322045.2); short protein forms A3T, A35T, A37T.
Identifiers: ClinVar variation 4827999 (VCV004827999.1).
Genomic context (GRCh38, chr8:6,409,365, plus strand): 5'-TCATCCAATGGAACAGAAAATTATTCAAAGACATTTACAACACAGCTTGTGGATATGGGG[G>A]CAAAGGTAAGACACTTATTTTGCTGTTGATTCATATGACAGTCTTCTGATTGGTAAAAAG-3'
Protein context (NP_078872.3, residues 27-47): TFTTQLVDMG[Ala37Thr]KVSKTFNKQV